The following is an entry in ClinVar:

NM_001142800.2(EYS):c.1948G>A (p.Ala650Thr)

Gene: EYS (eyes shut homolog; minus strand). Cytogenetic location: 6q12.
Variant type: single nucleotide variant.
Coding change: c.1948G>A on transcript NM_001142800.2 (MANE Select); coding-DNA position 1948, G replaced by A.
Protein change: p.Ala650Thr; replaces alanine 650 with threonine.
Molecular consequence: missense variant.
Genome position (GRCh38, 1-based): chr6:65,295,938, C>T on the plus strand (G>A on the coding strand, the complement: EYS is on the minus strand). VCF-style: chr6-65295938-C-T. GRCh37 (hg19) VCF-style: chr6-66005831-C-T.
Other names: c.1948G>A, p.Ala650Thr (NM_001292009.2); short protein forms A650T.
Identifiers: ClinVar variation 1970640 (VCV001970640.2), dbSNP rs1157669161, ClinGen allele CA364659455.

ClinVar aggregate classification (germline): Uncertain significance (1 of 4 stars; one submission).

Allele frequency attached by ClinVar (database versions not stated): gnomAD exomes below 0.00001; gnomAD 0.00001.
gnomAD v4.1: 6 of 1,550,756 alleles (0.00039%); highest among the groups gnomAD compares: East Asian, 0.0024%; no homozygotes.

Submission:

Labcorp Genetics (formerly Invitae), Labcorp
Classification: Uncertain significance. Last evaluated: 2022-07-23. Review status: criteria provided, single submitter. Criteria: Invitae Variant Classification Sherloc (09022015). Collection method: clinical testing. Allele origin: germline.
Comment: This sequence change replaces alanine, which is neutral and non-polar, with threonine, which is neutral and polar, at codon 650 of the EYS protein (p.Ala650Thr). This variant is present in population databases (no rsID available, gnomAD 0.004%). This variant has not been reported in the literature in individuals affected with EYS-related conditions. Algorithms developed to predict the effect of missense changes on protein structure and function (SIFT, PolyPhen-2, Align-GVGD) all suggest that this variant is likely to be tolerated. In summary, the available evidence is currently insufficient to determine the role of this variant in disease. Therefore, it has been classified as a Variant of Uncertain Significance.